The following is an entry in ClinVar:

ClinVar aggregate classification (germline): Uncertain significance (1 of 4 stars; one submission).

Conditions:
Familial adenomatous polyposis 1 (FAP1). Also called: FAMILIAL ADENOMATOUS POLYPOSIS 1, ATTENUATED; POLYPOSIS, ADENOMATOUS INTESTINAL. Identifiers: MedGen C2713442, MONDO:0021056, OMIM 175100. Disease mechanism: loss of function.

gnomAD v4.1: 1 of 1,370,406 alleles (0.000073%); highest among the groups gnomAD compares: South Asian, 0.0012%; no homozygotes.

Submission:

Labcorp Genetics (formerly Invitae), Labcorp
Classification: Uncertain significance for Familial adenomatous polyposis 1. Last evaluated: 2025-03-19. Review status: criteria provided, single submitter. Criteria: Invitae Variant Classification Sherloc (09022015). Collection method: clinical testing. Allele origin: germline.
Comment: This variant occurs in a non-coding region of the APC gene. It does not change the encoded amino acid sequence of the APC protein. This variant is not present in population databases (gnomAD no frequency). This variant has not been reported in the literature in individuals affected with APC-related conditions. Experimental studies and prediction algorithms are not available or were not evaluated, and the functional significance of this variant is currently unknown. In summary, the available evidence is currently insufficient to determine the role of this variant in disease. Therefore, it has been classified as a Variant of Uncertain Significance.

NM_001127511.3(APC):c.-41G>C

Gene: APC (APC regulator of Wnt signaling pathway; plus strand). Cytogenetic location: 5q22.2.
Variant type: single nucleotide variant.
Coding change: c.-41G>C on transcript NM_001127511.3; 41 bases upstream of the start codon, G replaced by C.
Molecular consequence: 5 prime UTR variant. On other transcripts: non-coding transcript variant (1), intron variant (5).
Genome position (GRCh38, 1-based): chr5:112,707,677, G>C. VCF-style: chr5-112707677-G-C. GRCh37 (hg19) VCF-style: chr5-112043374-G-C.
Other names: c.-41G>C (NM_001354902.2, NM_001407446.1, NM_001354897.2); c.-224G>C (NM_001407447.1, NM_001407452.1, NM_001407456.1 and 3 more transcripts); c.-1259G>C (NM_001407470.1, NM_001407472.1); c.-19+28G>C (NM_001407448.1, NM_001407450.1, NM_001407457.1 and 1 more transcripts); c.-43+28G>C (NM_001407453.1).
Identifiers: ClinVar variation 1473635 (VCV001473635.7), dbSNP rs748454058, ClinGen allele CA2573138792.